The following is an entry in ClinVar:

ClinVar aggregate classification (germline): Uncertain significance. Review status: criteria provided, multiple submitters, no conflicts (2 of 4 stars). 5 submissions from 5 submitters: Uncertain significance (5). Last evaluated 2025-06-12.

Conditions:
Developmental and epileptic encephalopathy, 11 (DEE11). Also called: Early infantile epileptic encephalopathy 11. Identifiers: Orphanet 1934, MedGen C3150987, MONDO:0013388, OMIM 613721.
SCN2A-related disorder. Also called: SCN2A-related disorders; SCN2A-related condition. Identifiers: MedGen CN382226, MONDO:1060245.
Seizures, benign familial infantile, 3 (BFIS3). Also called: Familial neonatal seizures; CONVULSIONS, BENIGN FAMILIAL INFANTILE, 3. Identifiers: Orphanet 140927, Orphanet 306, MedGen C1843140, MONDO:0011904, OMIM 607745.

Allele frequency attached by ClinVar (database versions not stated): gnomAD exomes 0.00002 and 0.00001; TOPMed 0.00002; gnomAD 0.00001; ExAC 0.00002.
gnomAD v4.1: 17 of 1,614,040 alleles (0.0011%); highest among the groups gnomAD compares: Admixed American, 0.005%; no homozygotes.

Submissions (5):

Mayo Clinic Laboratories, Mayo Clinic
Classification: Uncertain significance. Last evaluated: 2025-06-12. Review status: criteria provided, single submitter. Criteria: ACMG Guidelines, 2015. Collection method: clinical testing. Allele origin: germline. Observed: 1 variant allele.
Comment: PP2, PM6

Labcorp Genetics (formerly Invitae), Labcorp
Classification: Uncertain significance for Seizures, benign familial infantile, 3; Developmental and epileptic encephalopathy, 11. Last evaluated: 2024-10-14. Review status: criteria provided, single submitter. Criteria: Invitae Variant Classification Sherloc (09022015). Collection method: clinical testing. Allele origin: germline.
Comment: This sequence change replaces valine, which is neutral and non-polar, with methionine, which is neutral and non-polar, at codon 613 of the SCN2A protein (p.Val613Met). This variant is present in population databases (rs769069833, gnomAD 0.006%). This missense change has been observed in individual(s) with clinical features of SCN2A-related conditions (PMID: 33278787, 35571021). ClinVar contains an entry for this variant (Variation ID: 207042). Invitae Evidence Modeling of protein sequence and biophysical properties (such as structural, functional, and spatial information, amino acid conservation, physicochemical variation, residue mobility, and thermodynamic stability) indicates that this missense variant is expected to disrupt SCN2A protein function with a positive predictive value of 95%. In summary, the available evidence is currently insufficient to determine the role of this variant in disease. Therefore, it has been classified as a Variant of Uncertain Significance.

Daryl Scott Lab, Baylor College of Medicine
Classification: Uncertain significance for SCN2A-related disorder. Last evaluated: 2024-04-01. Review status: criteria provided, single submitter. Criteria: ACMG Guidelines, 2015. Collection method: clinical testing. Allele origin: maternal. Observed: 1 heterozygote.
Comment: PP3

Genomic Research Center, Shahid Beheshti University of Medical Sciences
Classification: Uncertain significance for Early infantile epileptic encephalopathy 11. Last evaluated: 2019-04-27. Review status: criteria provided, single submitter. Criteria: ACMG Guidelines, 2015. Collection method: clinical testing. Allele origin: unknown. Affected: yes.

GeneDx
Classification: Uncertain significance. Last evaluated: 2014-03-04. Review status: criteria provided, single submitter. Criteria: GeneDx Variant Classification (06012015). Collection method: clinical testing. Allele origin: germline. Affected: yes.
Comment: p.Val613Met (V613M) GTG>ATG: c.1837 G>A in exon 12 of the SCN2A gene (NM_021007.2). The V613M variant in the SCN2A gene has not been published as a mutation, nor has it been reported as a benign polymorphism to our knowledge. The V613M variant is a conservative amino acid substitution, which is not likely to impact secondary protein structure as these residues share similar properties. However, this substitution occurs at a position that is conserved across mammalian species and in silico analysis predicts this variant is probably damaging to the protein structure/function. The variant is found in EPILEPSY panel(s).

Literature cited by the submitters: PubMed 33278787 (cited by Mayo Clinic Laboratories, Mayo Clinic and Labcorp Genetics (formerly Invitae), Labcorp); PubMed 35571021 (cited by Mayo Clinic Laboratories, Mayo Clinic and Labcorp Genetics (formerly Invitae), Labcorp); PubMed 38174099 (cited by Mayo Clinic Laboratories, Mayo Clinic).

NM_001040142.2(SCN2A):c.1837G>A (p.Val613Met)

Gene: SCN2A (sodium voltage-gated channel alpha subunit 2; plus strand). Cytogenetic location: 2q24.3.
Variant type: single nucleotide variant.
Coding change: c.1837G>A on transcript NM_001040142.2 (MANE Select); coding-DNA position 1837, G replaced by A.
Protein change: p.Val613Met; replaces valine 613 with methionine.
Molecular consequence: missense variant.
Genome position (GRCh38, 1-based): chr2:165,323,321, G>A. VCF-style: chr2-165323321-G-A. GRCh37 (hg19) VCF-style: chr2-166179831-G-A.
Other names: p.V613M:GTG>ATG; p.Val613Met; c.1837G>A, p.Val613Met (NM_001040143.2, NM_001371246.1, NM_001371247.1 and 1 more transcripts); short protein forms V613M.
Identifiers: ClinVar variation 207042 (VCV000207042.16), dbSNP rs769069833, ClinGen allele CA318083.